The following is an entry in ClinVar:

ClinVar aggregate classification (germline): Benign/Likely benign. Review status: criteria provided, multiple submitters, no conflicts (2 of 4 stars). 6 submissions from 6 submitters: Benign (2); Likely benign (4). Last evaluated 2026-02-01.

Conditions:
Kidney disorder. Also called: renal disease; Kidney disease; Kidney Diseases; Nephropathy; renal disorder. Identifiers: MedGen C0022658, MONDO:0005240, HP:0000112.

Allele frequency attached by ClinVar (database versions not stated): gnomAD 0.00834 and 0.00896; 1000 Genomes Project 30x 0.00937; 1000 Genomes Project 0.00938; TOPMed 0.00960; ESP Exome Variant Server 0.00972; gnomAD exomes 0.01272; ExAC 0.01290.
gnomAD v4.1: 21,389 of 1,614,180 alleles (1.3%); highest among the groups gnomAD compares: South Asian, 2.9%; 211 homozygotes.

Submissions (6):

Labcorp Genetics (formerly Invitae), Labcorp
Classification: Benign. Last evaluated: 2026-02-01. Review status: criteria provided, single submitter. Criteria: Invitae Variant Classification Sherloc (09022015). Collection method: clinical testing. Allele origin: germline.

Blueprint Genetics
Classification: Likely benign. Last evaluated: 2024-11-25. Review status: criteria provided, single submitter. Criteria: ACMG Guidelines, 2015. Collection method: clinical testing. Allele origin: germline.

Mayo Clinic Laboratories, Mayo Clinic
Classification: Benign. Last evaluated: 2023-02-15. Review status: criteria provided, single submitter. Criteria: ACMG Guidelines, 2015. Collection method: clinical testing. Allele origin: germline. Observed: 4 variant alleles.
Comment: BS1, BS2, BP4, BP7

GeneDx
Classification: Likely benign. Last evaluated: 2021-10-27. Review status: criteria provided, single submitter. Criteria: GeneDx Variant Classification Process June 2021. Collection method: clinical testing. Allele origin: germline. Affected: yes.

Genome Diagnostics Laboratory, The Hospital for Sick Children
Classification: Likely benign for Kidney disorder. Last evaluated: 2021-06-28. Review status: criteria provided, single submitter. Criteria: ACMG Guidelines, 2015. Collection method: clinical testing. Allele origin: germline.

Breakthrough Genomics
Classification: Likely benign. Review status: criteria provided, single submitter. Criteria: ACMG Guidelines, 2015. Collection method: not provided. Allele origin: germline. Inheritance: Autosomal recessive inheritance. Affected: yes.

NM_004998.4(MYO1E):c.1440G>A (p.Thr480=)

Gene: MYO1E (myosin IE; minus strand). Cytogenetic location: 15q22.2.
Variant type: single nucleotide variant.
Coding change: c.1440G>A on transcript NM_004998.4 (MANE Select); coding-DNA position 1440, G replaced by A.
Protein change: p.Thr480=; no amino-acid change (threonine 480 retained).
Molecular consequence: synonymous variant.
Genome position (GRCh38, 1-based): chr15:59,208,771, C>T on the plus strand (G>A on the coding strand, the complement: MYO1E is on the minus strand). VCF-style: chr15-59208771-C-T. GRCh37 (hg19) VCF-style: chr15-59500970-C-T.
Other names: p.Thr480=.
Identifiers: ClinVar variation 1168375 (VCV001168375.18), dbSNP rs117265950, ClinGen allele CA7589938.
Genomic context (GRCh38, chr15:59,208,771, plus strand): 5'-TTGGTTCCAACTGTTGAAGTGCTCATGACTCCCAATCTGCATCTGAAGTTTCTGGAGCAG[C>T]GTCTGATCTGCCCCCTCACCCACCGCATGCATCGTGGCGCACACGTCATCCAGGATGCTC-3'
Protein context (NP_004989.2, residues 470-490): MHAVGEGADQ[Thr480=]LLQKLQMQIG